The following is an entry in ClinVar:

NM_021625.5(TRPV4):c.617G>T (p.Arg206Leu)

Gene: TRPV4 (transient receptor potential cation channel subfamily V member 4; minus strand). Cytogenetic location: 12q24.11.
Variant type: single nucleotide variant.
Coding change: c.617G>T on transcript NM_021625.5 (MANE Select); coding-DNA position 617, G replaced by T.
Protein change: p.Arg206Leu; replaces arginine 206 with leucine.
Molecular consequence: missense variant.
Genome position (GRCh38, 1-based): chr12:109,803,086, C>A on the plus strand (G>T on the coding strand, the complement: TRPV4 is on the minus strand). VCF-style: chr12-109803086-C-A. GRCh37 (hg19) VCF-style: chr12-110240891-C-A.
Other names: c.617G>T, p.Arg206Leu (NM_001177428.2, NM_001177433.2, NM_147204.3); c.515G>T, p.Arg172Leu (NM_001177431.2); short protein forms R172L, R206L.
Identifiers: ClinVar variation 1320389 (VCV001320389.9), dbSNP rs373108373, ClinGen allele CA6780494.

ClinVar aggregate classification (germline): Uncertain significance. Review status: criteria provided, multiple submitters, no conflicts (2 of 4 stars). 2 submissions from 2 submitters: Uncertain significance (2). Last evaluated 2025-07-26.

Conditions:
Charcot-Marie-Tooth disease axonal type 2C (HMSN2C). Also called: CHARCOT-MARIE-TOOTH DISEASE, AXONAL, AUTOSOMAL DOMINANT, TYPE 2C; Charcot-Marie-Tooth Neuropathy Type 2C; Charcot-Marie-Tooth Disease Type 2, TRPV4-Related (CMT2C). Identifiers: Orphanet 99937, MedGen C1853710, MONDO:0011633, OMIM 606071.

Allele frequency attached by ClinVar (database versions not stated): ESP Exome Variant Server 0.00008.
gnomAD v4.1: 11 of 1,614,058 alleles (0.00068%); highest among the groups gnomAD compares: African/African-American, 0.012%; no homozygotes.

Submissions (2):

Labcorp Genetics (formerly Invitae), Labcorp
Classification: Uncertain significance for Charcot-Marie-Tooth disease axonal type 2C. Last evaluated: 2025-07-26. Review status: criteria provided, single submitter. Criteria: Invitae Variant Classification Sherloc (09022015). Collection method: clinical testing. Allele origin: germline.
Comment: This sequence change replaces arginine, which is basic and polar, with leucine, which is neutral and non-polar, at codon 206 of the TRPV4 protein (p.Arg206Leu). This variant is present in population databases (rs373108373, gnomAD 0.008%). This variant has not been reported in the literature in individuals affected with TRPV4-related conditions. ClinVar contains an entry for this variant (Variation ID: 1320389). Invitae Evidence Modeling of protein sequence and biophysical properties (such as structural, functional, and spatial information, amino acid conservation, physicochemical variation, residue mobility, and thermodynamic stability) has been performed for this missense variant. However, the output from this modeling did not meet the statistical confidence thresholds required to predict the impact of this variant on TRPV4 protein function. In summary, the available evidence is currently insufficient to determine the role of this variant in disease. Therefore, it has been classified as a Variant of Uncertain Significance.

GeneDx
Classification: Uncertain significance. Last evaluated: 2019-04-03. Review status: criteria provided, single submitter. Criteria: GeneDx Variant Classification Process June 2021. Collection method: clinical testing. Allele origin: germline. Affected: yes.
Comment: In silico analysis, which includes protein predictors and evolutionary conservation, supports a deleterious effect; Has not been previously published as pathogenic or benign to our knowledge